The following is an entry in ClinVar:

ClinVar aggregate classification (germline): Uncertain significance (1 of 4 stars; one submission).

Allele frequency attached by ClinVar (database versions not stated): gnomAD exomes below 0.00001.
gnomAD v4.1: 1 of 1,612,548 alleles (0.000062%); highest among the groups gnomAD compares: Non-Finnish European, 0.000085%; no homozygotes.

Submission:

GeneDx
Classification: Uncertain significance. Last evaluated: 2022-02-24. Review status: criteria provided, single submitter. Criteria: GeneDx Variant Classification Process June 2021. Collection method: clinical testing. Allele origin: germline. Affected: yes.
Comment: Not observed at significant frequency in large population cohorts (gnomAD); In silico analysis supports that this missense variant has a deleterious effect on protein structure/function; Has not been previously published as pathogenic or benign to our knowledge

NM_020338.4(ZMIZ1):c.830C>T (p.Thr277Ile)

Gene: ZMIZ1 (zinc finger MIZ-type containing 1; plus strand). Cytogenetic location: 10q22.3.
Variant type: single nucleotide variant.
Coding change: c.830C>T on transcript NM_020338.4 (MANE Select); coding-DNA position 830, C replaced by T.
Protein change: p.Thr277Ile; replaces threonine 277 with isoleucine.
Molecular consequence: missense variant.
Genome position (GRCh38, 1-based): chr10:79,292,229, C>T. VCF-style: chr10-79292229-C-T. GRCh37 (hg19) VCF-style: chr10-81051986-C-T.
Other names: short protein forms T277I.
Identifiers: ClinVar variation 1703893 (VCV001703893.2), dbSNP rs2493829754, ClinGen allele CA377332922.